The following is an entry in ClinVar:

NM_024334.3(TMEM43):c.748G>A (p.Gly250Ser)

Gene: TMEM43 (transmembrane protein 43; plus strand). Cytogenetic location: 3p25.1.
Variant type: single nucleotide variant.
Coding change: c.748G>A on transcript NM_024334.3 (MANE Select); coding-DNA position 748, G replaced by A.
Protein change: p.Gly250Ser; replaces glycine 250 with serine.
Molecular consequence: missense variant.
Genome position (GRCh38, 1-based): chr3:14,135,200, G>A. VCF-style: chr3-14135200-G-A. GRCh37 (hg19) VCF-style: chr3-14176700-G-A.
Other names: short protein forms G250S.
Identifiers: ClinVar variation 466423 (VCV000466423.46), dbSNP rs371797765, ClinGen allele CA055237.

ClinVar aggregate classification (germline): Conflicting classifications of pathogenicity. Review status: criteria provided, conflicting classifications (1 of 4 stars). 8 submissions from 8 submitters: Uncertain significance (2); Benign (1); Likely benign (5). Last evaluated 2025-12-29.

Conditions:
Cardiovascular phenotype. Identifiers: MedGen CN230736.
Cardiomyopathy (CMYO). Also called: Cardiomyopathies. Identifiers: Orphanet 167848, MedGen C0878544, MONDO:0004994, HP:0001638. Inheritance: Various modes of inheritance.
Arrhythmogenic right ventricular dysplasia 5. Also called: Arrhythmogenic Right Ventricular Dysplasia/Cardiomyopathy 5; ARRHYTHMOGENIC RIGHT VENTRICULAR DYSPLASIA, FAMILIAL, 5. Identifiers: MedGen C1858379, MONDO:0011459, OMIM 604400.

Allele frequency attached by ClinVar (database versions not stated): ExAC 0.00004; gnomAD exomes 0.00006 and 0.00002; TOPMed 0.00006; ESP Exome Variant Server 0.00008; 1000 Genomes Project 30x 0.00016; 1000 Genomes Project 0.00020; gnomAD 0.00003.
gnomAD v4.1: 35 of 1,612,688 alleles (0.0022%); highest among the groups gnomAD compares: East Asian, 0.018%; no homozygotes.

Submissions (8):

Labcorp Genetics (formerly Invitae), Labcorp
Classification: Uncertain significance for Arrhythmogenic right ventricular dysplasia 5. Last evaluated: 2025-12-29. Review status: criteria provided, single submitter. Criteria: Invitae Variant Classification Sherloc (09022015). Collection method: clinical testing. Allele origin: germline.
Comment: This sequence change replaces glycine, which is neutral and non-polar, with serine, which is neutral and polar, at codon 250 of the TMEM43 protein (p.Gly250Ser). This variant is present in population databases (rs371797765, gnomAD 0.04%), and has an allele count higher than expected for a pathogenic variant. This variant has not been reported in the literature in individuals affected with TMEM43-related conditions. ClinVar contains an entry for this variant (Variation ID: 466423). An algorithm developed to predict the effect of missense changes on protein structure and function outputs the following: PolyPhen-2: "Benign". The serine amino acid residue is found in multiple mammalian species, which suggests that this missense change does not adversely affect protein function. In summary, the available evidence is currently insufficient to determine the role of this variant in disease. Therefore, it has been classified as a Variant of Uncertain Significance.

ARUP Laboratories, Molecular Genetics and Genomics, ARUP Laboratories
Classification: Uncertain significance. Last evaluated: 2025-03-21. Review status: criteria provided, single submitter. Criteria: ARUP Molecular Germline Variant Investigation Process 2024. Collection method: clinical testing. Allele origin: germline.
Comment: The TMEM43 c.748G>A; p.Gly250Ser variant (rs371797765), to our knowledge, is not reported in the medical literature but is reported in ClinVar (Variation ID: 466423). This variant is found in the general population with an overall allele frequency of 0.005% (15/281,322 alleles) in the Genome Aggregation Database (v2.1.1). Computational analyses predict that this variant is neutral (REVEL: 0.148). Due to limited information, the clinical significance of this variant is uncertain at this time.

Color Diagnostics, LLC DBA Color Health
Classification: Benign for Cardiomyopathy. Last evaluated: 2024-09-06. Review status: criteria provided, single submitter. Criteria: ACMG Guidelines, 2015. Collection method: clinical testing. Allele origin: germline.

All of Us Research Program, National Institutes of Health
Classification: Likely benign for Arrhythmogenic right ventricular dysplasia 5. Last evaluated: 2023-12-01. Review status: criteria provided, single submitter. Criteria: ACMG Guidelines, 2015. Collection method: clinical testing. Allele origin: germline. Inheritance: Autosomal dominant inheritance. Observed: 9 variant alleles, 9 heterozygotes.
Comment: This study involves interpretation of variants in research participants for the purpose of population health screening. Participant phenotype was not available at the time of variant classification. Additional details can be found in publication PMID: 35346344, PMCID: PMC8962531

Ambry Genetics
Classification: Likely benign for Cardiovascular phenotype. Last evaluated: 2023-11-01. Review status: criteria provided, single submitter. Criteria: Ambry Variant Classification Scheme 2023. Collection method: clinical testing. Allele origin: germline.

CeGaT Center for Human Genetics Tuebingen
Classification: Likely benign. Last evaluated: 2023-06-01. Review status: criteria provided, single submitter. Criteria: CeGaT Center For Human Genetics Tuebingen Variant Classification Criteria Version 2. Collection method: clinical testing. Allele origin: germline. Affected: yes. Observed: 1 variant allele.
Comment: TMEM43: BP4

Blueprint Genetics
Classification: Likely benign. Last evaluated: 2021-10-14. Review status: criteria provided, single submitter. Criteria: ACMG Guidelines, 2015. Collection method: clinical testing. Allele origin: germline.

CHEO Genetics Diagnostic Laboratory, Children's Hospital of Eastern Ontario
Classification: Likely benign for Cardiomyopathy. Last evaluated: 2018-01-29. Review status: criteria provided, single submitter. Criteria: ACMG Guidelines, 2015. Collection method: clinical testing. Allele origin: germline.